The following is an entry in ClinVar:

NM_018026.4(PACS1):c.1622C>T (p.Thr541Met)

Gene: PACS1 (phosphofurin acidic cluster sorting protein 1; plus strand). Cytogenetic location: 11q13.2.
Variant type: single nucleotide variant.
Coding change: c.1622C>T on transcript NM_018026.4 (MANE Select); coding-DNA position 1622, C replaced by T.
Protein change: p.Thr541Met; replaces threonine 541 with methionine.
Molecular consequence: missense variant.
Genome position (GRCh38, 1-based): chr11:66,230,936, C>T. VCF-style: chr11-66230936-C-T. GRCh37 (hg19) VCF-style: chr11-65998407-C-T.
Other names: short protein forms T541M.
Identifiers: ClinVar variation 2179948 (VCV002179948.5), dbSNP rs745816812, ClinGen allele CA6116616.
Genomic context (GRCh38, chr11:66,230,936, plus strand): 5'-CCCTAAGTGAGAGGACCAACAGTTCCGACAGCGAGCGCTCCCCAGATCTGGGCCACAGCA[C>T]GCAGGTACTTCTGGGTGCCCCCAAAACACCAGGACCCTCTGAGATTCCCTGAACTTCAGG-3'
Protein context (NP_060496.2, residues 531-551): SERSPDLGHS[Thr541Met]QIPRKVVYDQ

ClinVar aggregate classification (germline): Uncertain significance. Review status: criteria provided, multiple submitters, no conflicts (2 of 4 stars). 2 submissions from 2 submitters: Uncertain significance (2). Last evaluated 2025-01-19.

Conditions:
Schuurs-Hoeijmakers syndrome. Also called: PACS1-Related Neurodevelopmental Disorder. Identifiers: Orphanet 329224, MedGen C3554343, MONDO:0014006, OMIM 615009.

Allele frequency attached by ClinVar (database versions not stated): gnomAD exomes 0.00001; ExAC 0.00002; gnomAD 0.00002; TOPMed 0.00001.
gnomAD v4.1: 15 of 1,613,900 alleles (0.00093%); highest among the groups gnomAD compares: East Asian, 0.0067%; no homozygotes.

Submissions (2):

Labcorp Genetics (formerly Invitae), Labcorp
Classification: Uncertain significance for Schuurs-Hoeijmakers syndrome. Last evaluated: 2025-01-19. Review status: criteria provided, single submitter. Criteria: Invitae Variant Classification Sherloc (09022015). Collection method: clinical testing. Allele origin: germline.
Comment: This sequence change replaces threonine, which is neutral and polar, with methionine, which is neutral and non-polar, at codon 541 of the PACS1 protein (p.Thr541Met). This variant is present in population databases (rs745816812, gnomAD 0.006%). This missense change has been observed in individual(s) with PACS1-related conditions (PMID: 35982159). ClinVar contains an entry for this variant (Variation ID: 2179948). Invitae Evidence Modeling of protein sequence and biophysical properties (such as structural, functional, and spatial information, amino acid conservation, physicochemical variation, residue mobility, and thermodynamic stability) indicates that this missense variant is not expected to disrupt PACS1 protein function with a negative predictive value of 80%. In summary, the available evidence is currently insufficient to determine the role of this variant in disease. Therefore, it has been classified as a Variant of Uncertain Significance.

Revvity Omics, Revvity
Classification: Uncertain significance for Schuurs-Hoeijmakers syndrome. Last evaluated: 2024-04-15. Review status: criteria provided, single submitter. Criteria: ACMG Guidelines, 2015. Collection method: clinical testing. Allele origin: germline.

Literature cited by the submitters: PubMed 35982159 (cited by Labcorp Genetics (formerly Invitae), Labcorp).